The following is an entry in ClinVar:

ClinVar aggregate classification (germline): Uncertain significance. Review status: criteria provided, multiple submitters, no conflicts (2 of 4 stars). 2 submissions from 2 submitters: Uncertain significance (2). Last evaluated 2026-01-29.

Conditions:
Inborn genetic diseases. Identifiers: MedGen C0950123, MeSH D030342.

Allele frequency attached by ClinVar (database versions not stated): gnomAD exomes 0.00001; TOPMed 0.00001.
gnomAD v4.1: 3 of 1,612,490 alleles (0.00019%); highest among the groups gnomAD compares: Admixed American, 0.005%; no homozygotes.

Submissions (2):

Women's Health and Genetics/Laboratory Corporation of America, LabCorp
Classification: Uncertain significance. Last evaluated: 2026-01-29. Review status: criteria provided, single submitter. Criteria: LabCorp Variant Classification Summary - May 2015. Collection method: clinical testing. Allele origin: germline.
Comment: Variant summary: DHX16 c.2984A>G (p.Glu995Gly) results in a non-conservative amino acid change in the encoded protein sequence. Algorithms developed to predict the effect of missense changes on protein structure and function are either unavailable or do not agree on the potential impact of this missense change. The variant allele was found at a frequency of 4.1e-06 in 245438 control chromosomes. The available data on variant occurrences in the general population are insufficient to allow any conclusion about variant significance. To our knowledge, no occurrence of c.2984A>G in individuals affected with DHX16-related conditions and no experimental evidence demonstrating its impact on protein function have been reported. ClinVar contains an entry for this variant (Variation ID: 3082157). Based on the evidence outlined above, the variant was classified as uncertain significance.

Ambry Genetics
Classification: Uncertain significance for Inborn genetic diseases. Last evaluated: 2024-11-11. Review status: criteria provided, single submitter. Criteria: Ambry Variant Classification Scheme 2023. Collection method: clinical testing. Allele origin: germline.

NM_003587.5(DHX16):c.2984A>G (p.Glu995Gly)

Gene: DHX16 (DEAH-box helicase 16; minus strand). Cytogenetic location: 6p21.33.
Variant type: single nucleotide variant.
Coding change: c.2984A>G on transcript NM_003587.5 (MANE Select); coding-DNA position 2984, A replaced by G.
Protein change: p.Glu995Gly; replaces glutamic acid 995 with glycine.
Molecular consequence: missense variant.
Genome position (GRCh38, 1-based): chr6:30,654,719, T>C on the plus strand (A>G on the coding strand, the complement: DHX16 is on the minus strand). VCF-style: chr6-30654719-T-C. GRCh37 (hg19) VCF-style: chr6-30622496-T-C.
Other names: c.2804A>G, p.Glu935Gly (NM_001164239.2); c.1541A>G, p.Glu514Gly (NM_001363515.2); short protein forms E995G, E514G, E935G.
Identifiers: ClinVar variation 3082157 (VCV003082157.3), dbSNP rs1214749991, ClinGen allele CA363098898.
Genomic context (GRCh38, chr6:30,654,719, plus strand): 5'-CTCTCTACATAGTCTCCACCTGCGTGGGCACAGGATGTTCTCCTCACCTGTCTCATGAAC[T>C]CTTTGGTGGTCAAGACAAGTTCGTGGTAGAGCAGCCAGCGTGGCTGTTGCTCAAAGAGGG-3'
Protein context (NP_003578.2, residues 985-1005): LYHELVLTTK[Glu995Gly]FMRQVLEIES